The following is an entry in ClinVar:

ClinVar aggregate classification (germline): Pathogenic/Likely pathogenic. Review status: criteria provided, multiple submitters, no conflicts (2 of 4 stars). 3 submissions from 3 submitters: Pathogenic (1); Likely pathogenic (1). 1 of the submissions does not count toward it. Last evaluated 2025-03-27.

Conditions:
Familial thoracic aortic aneurysm and aortic dissection (TAAD). Also called: Thoracic aortic aneurysms and dissections. Identifiers: Orphanet 91387, MedGen C4707243, MONDO:0019625.
Marfan syndrome (MFS). Also called: Marfan syndrome type 1; Marfan syndrome, classic; Marfan's syndrome; FBN1-Related Marfan Syndrome; MARFAN SYNDROME, TYPE I. Identifiers: Orphanet 284963, Orphanet 558, MedGen C0024796, MONDO:0007947, OMIM 154700.

Submissions (3):

Labcorp Genetics (formerly Invitae), Labcorp
Classification: Pathogenic for Marfan syndrome; Familial thoracic aortic aneurysm and aortic dissection. Last evaluated: 2025-03-27. Review status: criteria provided, single submitter. Criteria: Invitae Variant Classification Sherloc (09022015). Collection method: clinical testing. Allele origin: germline.
Comment: This sequence change replaces tyrosine, which is neutral and polar, with cysteine, which is neutral and slightly polar, at codon 1311 of the FBN1 protein (p.Tyr1311Cys). This variant is not present in population databases (gnomAD no frequency). This missense change has been observed in individual(s) with Marfan syndrome (PMID: 27906200, 31131229). It has also been observed to segregate with disease in related individuals. ClinVar contains an entry for this variant (Variation ID: 549194). Invitae Evidence Modeling of protein sequence and biophysical properties (such as structural, functional, and spatial information, amino acid conservation, physicochemical variation, residue mobility, and thermodynamic stability) indicates that this missense variant is expected to disrupt FBN1 protein function with a positive predictive value of 95%. For these reasons, this variant has been classified as Pathogenic.

Equipe Genetique des Anomalies du Developpement, Université de Bourgogne
Classification: Likely pathogenic for Marfan syndrome. Last evaluated: 2023-05-15. Review status: criteria provided, single submitter. Criteria: ACMG Guidelines, 2015. Collection method: clinical testing. Allele origin: unknown. Inheritance: Autosomal dominant inheritance. Affected: yes.

Center for Medical Genetics Ghent, University of Ghent
Classification: Likely pathogenic for Marfan syndrome. Last evaluated: 2017-11-07. Review status: no assertion criteria provided. Collection method: clinical testing. Allele origin: germline. Affected: yes. Not counted in ClinVar's aggregate classification.

Literature cited by the submitters: PubMed 27906200 (cited by Labcorp Genetics (formerly Invitae), Labcorp); PubMed 31131229 (cited by Labcorp Genetics (formerly Invitae), Labcorp).

NM_000138.5(FBN1):c.3932A>G (p.Tyr1311Cys)

Gene: FBN1 (fibrillin 1; minus strand). Cytogenetic location: 15q21.1.
Variant type: single nucleotide variant.
Coding change: c.3932A>G on transcript NM_000138.5 (MANE Select); coding-DNA position 3932, A replaced by G.
Protein change: p.Tyr1311Cys; replaces tyrosine 1311 with cysteine.
Molecular consequence: missense variant.
Genome position (GRCh38, 1-based): chr15:48,481,687, T>C on the plus strand (A>G on the coding strand, the complement: FBN1 is on the minus strand). VCF-style: chr15-48481687-T-C. GRCh37 (hg19) VCF-style: chr15-48773884-T-C.
Other names: short protein forms Y1311C.
Identifiers: ClinVar variation 549194 (VCV000549194.4), dbSNP rs1555398148, ClinGen allele CA392322259.